The following is an entry in ClinVar:

ClinVar aggregate classification (germline): Conflicting classifications of pathogenicity. Review status: criteria provided, conflicting classifications (1 of 4 stars). 3 submissions from 3 submitters: Uncertain significance (2); Likely benign (1). Last evaluated 2025-02-17.

Conditions:
Hereditary cancer-predisposing syndrome. Also called: Tumor predisposition; Neoplastic Syndromes, Hereditary; Hereditary Cancer Syndrome; Hereditary neoplastic syndrome. Identifiers: Orphanet 140162, MedGen C0027672, MeSH D009386, MONDO:0015356.
Basal cell carcinoma, susceptibility to, 1. Also called: BCC1. Identifiers: MedGen C2751544, MONDO:0011556, OMIM 605462.
Basal cell nevus syndrome 1 (BCNS1). Also called: GORLIN-GOLTZ SYNDROME; MULTIPLE BASAL CELL NEVI, ODONTOGENIC KERATOCYSTS, AND SKELETAL ANOMALIES. Identifiers: MedGen CN376810, MONDO:0958174, OMIM 109400.
Holoprosencephaly 7 (HPE7). Identifiers: Orphanet 2162, MedGen C1835820, MONDO:0012562, OMIM 610828.
Gorlin syndrome. Also called: Basal cell nevus syndrome; Nevoid Basal Cell Carcinoma Syndrome. Identifiers: Orphanet 377, MedGen C0004779, MONDO:0007187.

Allele frequency attached by ClinVar (database versions not stated): gnomAD exomes below 0.00001; TOPMed below 0.00001.
gnomAD v4.1: 5 of 1,614,202 alleles (0.00031%); highest among the groups gnomAD compares: Admixed American, 0.0033%; no homozygotes.

Submissions (3):

Labcorp Genetics (formerly Invitae), Labcorp
Classification: Likely benign for Gorlin syndrome. Last evaluated: 2025-02-17. Review status: criteria provided, single submitter. Criteria: Invitae Variant Classification Sherloc (09022015). Collection method: clinical testing. Allele origin: germline.

Ambry Genetics
Classification: Uncertain significance for Hereditary cancer-predisposing syndrome. Last evaluated: 2024-05-15. Review status: criteria provided, single submitter. Criteria: Ambry Variant Classification Scheme 2023. Collection method: clinical testing. Allele origin: germline.
Comment: The p.Y847C variant (also known as c.2540A>G), located in coding exon 15 of the PTCH1 gene, results from an A to G substitution at nucleotide position 2540. The tyrosine at codon 847 is replaced by cysteine, an amino acid with highly dissimilar properties. This amino acid position is highly conserved in available vertebrate species. In addition, this alteration is predicted to be deleterious by in silico analysis. Based on the available evidence, the clinical significance of this variant remains unclear.

Fulgent Genetics
Classification: Uncertain significance for Basal cell nevus syndrome 1; Basal cell carcinoma, susceptibility to, 1; Holoprosencephaly 7. Last evaluated: 2024-04-03. Review status: criteria provided, single submitter. Criteria: ACMG Guidelines, 2015. Collection method: clinical testing. Allele origin: germline.

NM_000264.5(PTCH1):c.2540A>G (p.Tyr847Cys)

Genes: PTCH1 (patched 1; minus strand), LOC100507346 (uncharacterized LOC100507346; plus strand). Cytogenetic location: 9q22.32.
Variant type: single nucleotide variant.
Coding change: c.2540A>G on transcript NM_000264.5 (MANE Select); coding-DNA position 2540, A replaced by G.
Protein change: p.Tyr847Cys; replaces tyrosine 847 with cysteine.
Molecular consequence: missense variant. On other transcripts: non-coding transcript variant (2).
Genome position (GRCh38, 1-based): chr9:95,467,136, T>C on the plus strand (A>G on the coding strand, the complement: PTCH1 is on the minus strand). VCF-style: chr9-95467136-T-C. GRCh37 (hg19) VCF-style: chr9-98229418-T-C.
Other names: c.2342A>G, p.Tyr781Cys (NM_001083602.3); c.2537A>G, p.Tyr846Cys (NM_001083603.3); c.2087A>G, p.Tyr696Cys (NM_001083604.3, NM_001083605.3, NM_001083606.3 and 1 more transcripts); c.2384A>G, p.Tyr795Cys (NM_001354918.2); c.2540A>G (NM_000264.3); short protein forms Y696C, Y781C, Y795C, Y846C, Y847C.
Identifiers: ClinVar variation 1059612 (VCV001059612.11), dbSNP rs1352235060, ClinGen allele CA374113739.